The following is an entry in ClinVar:

ClinVar aggregate classification (germline): Uncertain significance. Review status: criteria provided, multiple submitters, no conflicts (2 of 4 stars). 2 submissions from 2 submitters: Uncertain significance (2). Last evaluated 2026-03-30.

Conditions:
Hereditary cancer-predisposing syndrome. Also called: Hereditary Cancer Syndrome; Neoplastic Syndromes, Hereditary; Tumor predisposition; Hereditary neoplastic syndrome. Identifiers: Orphanet 140162, MedGen C0027672, MeSH D009386, MONDO:0015356.

Submissions (2):

Ambry Genetics
Classification: Uncertain significance for Hereditary cancer-predisposing syndrome. Last evaluated: 2026-03-30. Review status: criteria provided, single submitter. Criteria: Ambry Variant Classification Scheme 2023. Collection method: clinical testing. Allele origin: germline.
Comment: The p.A776V variant (also known as c.2327C>T), located in coding exon 17 of the MSH3 gene, results from a C to T substitution at nucleotide position 2327. The alanine at codon 776 is replaced by valine, an amino acid with similar properties. This amino acid position is conserved. In addition, the in silico prediction for this alteration is inconclusive. Based on the available evidence, the clinical significance of this variant remains unclear.

Labcorp Genetics (formerly Invitae), Labcorp
Classification: Uncertain significance. Last evaluated: 2019-07-26. Review status: criteria provided, single submitter. Criteria: Invitae Variant Classification Sherloc (09022015). Collection method: clinical testing. Allele origin: germline.
Comment: This sequence change replaces alanine with valine at codon 776 of the MSH3 protein (p.Ala776Val). The alanine residue is moderately conserved and there is a small physicochemical difference between alanine and valine. This variant is not present in population databases (ExAC no frequency). This variant has not been reported in the literature in individuals with MSH3-related conditions. Algorithms developed to predict the effect of missense changes on protein structure and function (SIFT, PolyPhen-2, Align-GVGD) all suggest that this variant is likely to be tolerated, but these predictions have not been confirmed by published functional studies and their clinical significance is uncertain. In summary, the available evidence is currently insufficient to determine the role of this variant in disease. Therefore, it has been classified as a Variant of Uncertain Significance.

NM_002439.5(MSH3):c.2327C>T (p.Ala776Val)

Gene: MSH3 (mutS homolog 3; plus strand). Cytogenetic location: 5q14.1.
Variant type: single nucleotide variant.
Coding change: c.2327C>T on transcript NM_002439.5 (MANE Select); coding-DNA position 2327, C replaced by T.
Protein change: p.Ala776Val; replaces alanine 776 with valine.
Molecular consequence: missense variant.
Genome position (GRCh38, 1-based): chr5:80,778,728, C>T. VCF-style: chr5-80778728-C-T. GRCh37 (hg19) VCF-style: chr5-80074547-C-T.
Other names: c.2327C>T (NM_002439.3); short protein forms A776V.
Identifiers: ClinVar variation 956133 (VCV000956133.2), dbSNP rs765970162, ClinGen allele CA360281718.
Genomic context (GRCh38, chr5:80,778,728, plus strand): 5'-CGGATTTTTTACTAACCTTGATTTCCTATTTGTGTTCTTTCCCCTCTTCTAGCACAAAAG[C>T]TGTGAGCCGCTTTCACTCTCCTTTTATTGTAGAAAATTACAGACATCTGAATCAGCTCCG-3'
Protein context (NP_002430.3, residues 766-786): TDWVKVGSTK[Ala776Val]VSRFHSPFIV